The following is an entry in ClinVar:

NM_000492.4(CFTR):c.1585-9368T>C

Gene: CFTR (CF transmembrane conductance regulator; plus strand). Cytogenetic location: 7q31.2.
Variant type: single nucleotide variant.
Coding change: c.1585-9368T>C on transcript NM_000492.4 (MANE Select); 9368 bases into the intron before coding-DNA position 1585, T replaced by C.
Molecular consequence: intron variant.
Genome position (GRCh38, 1-based): chr7:117,578,371, T>C. VCF-style: chr7-117578371-T-C. GRCh37 (hg19) VCF-style: chr7-117218425-T-C.
Identifiers: ClinVar variation 3054250 (VCV003054250.2), dbSNP rs193031846, ClinGen allele CA164942062.

ClinVar aggregate classification (germline): Likely benign (0 of 4 stars; one submission).

Conditions:
CFTR-related disorder (CFTR-RD). Also called: CFTR-related condition; CFTR-related disorders. Identifiers: MedGen C5924204, MONDO:7770004.

Allele frequency attached by ClinVar (database versions not stated): gnomAD 0.00006; 1000 Genomes Project 30x 0.00031; TOPMed 0.00005; 1000 Genomes Project 0.00020.
gnomAD v4.1: 9 of 152,258 alleles (0.0059%); highest among the groups gnomAD compares: Middle Eastern, 0.34%; no homozygotes.

Submission:

PreventionGenetics, part of Exact Sciences
Classification: Likely benign for CFTR-related condition. Last evaluated: 2022-06-06. Review status: no assertion criteria provided. Collection method: clinical testing. Allele origin: germline.
Comment: This variant is classified as likely benign based on ACMG/AMP sequence variant interpretation guidelines (Richards et al. 2015 PMID: 25741868, with internal and published modifications).